The following is an entry in ClinVar:

ClinVar aggregate classification (germline): Uncertain significance (1 of 4 stars; one submission).

Allele frequency attached by ClinVar (database versions not stated): TOPMed 0.00001.
gnomAD v4.1: 1 of 1,614,118 alleles (0.000062%); highest among the groups gnomAD compares: East Asian, 0.0022%; no homozygotes.

Submission:

Labcorp Genetics (formerly Invitae), Labcorp
Classification: Uncertain significance. Last evaluated: 2023-07-17. Review status: criteria provided, single submitter. Criteria: Invitae Variant Classification Sherloc (09022015). Collection method: clinical testing. Allele origin: germline.
Comment: In summary, the available evidence is currently insufficient to determine the role of this variant in disease. Therefore, it has been classified as a Variant of Uncertain Significance. An algorithm developed to predict the effect of missense changes on protein structure and function (PolyPhen-2) suggests that this variant is likely to be tolerated. This variant has not been reported in the literature in individuals affected with LRP2-related conditions. This variant is not present in population databases (gnomAD no frequency). This sequence change replaces histidine, which is basic and polar, with leucine, which is neutral and non-polar, at codon 1076 of the LRP2 protein (p.His1076Leu).

NM_004525.3(LRP2):c.3227A>T (p.His1076Leu)

Gene: LRP2 (LDL receptor related protein 2; minus strand). Cytogenetic location: 2q31.1.
Variant type: single nucleotide variant.
Coding change: c.3227A>T on transcript NM_004525.3 (MANE Select); coding-DNA position 3227, A replaced by T.
Protein change: p.His1076Leu; replaces histidine 1076 with leucine.
Molecular consequence: missense variant.
Genome position (GRCh38, 1-based): chr2:169,244,896, T>A on the plus strand (A>T on the coding strand, the complement: LRP2 is on the minus strand). VCF-style: chr2-169244896-T-A. GRCh37 (hg19) VCF-style: chr2-170101406-T-A.
Other names: short protein forms H1076L.
Identifiers: ClinVar variation 2741824 (VCV002741824.3), dbSNP rs1364949121, ClinGen allele CA349151881.